The following is an entry in ClinVar:

NM_001252024.2(TRPM1):c.1972G>T (p.Glu658Ter)

Gene: TRPM1 (transient receptor potential cation channel subfamily M member 1; minus strand). Cytogenetic location: 15q13.3.
Variant type: single nucleotide variant.
Coding change: c.1972G>T on transcript NM_001252024.2 (MANE Select); coding-DNA position 1972, G replaced by T.
Protein change: p.Glu658Ter; replaces glutamic acid 658 with a stop codon.
Molecular consequence: nonsense.
Genome position (GRCh38, 1-based): chr15:31,042,066, C>A on the plus strand (G>T on the coding strand, the complement: TRPM1 is on the minus strand). VCF-style: chr15-31042066-C-A. GRCh37 (hg19) VCF-style: chr15-31334269-C-A.
Other names: c.2023G>T, p.Glu675Ter (NM_001252020.2); c.1906G>T, p.Glu636Ter (NM_002420.6); short protein forms E636*, E658*, E675*.
Identifiers: ClinVar variation 4811734 (VCV004811734.1).

ClinVar aggregate classification (germline): Pathogenic (1 of 4 stars; one submission).

gnomAD v4.1: 1 of 1,614,062 alleles (0.000062%); highest among the groups gnomAD compares: Non-Finnish European, 0.000085%; no homozygotes.

Submission:

Labcorp Genetics (formerly Invitae), Labcorp
Classification: Pathogenic. Last evaluated: 2025-07-27. Review status: criteria provided, single submitter. Criteria: Invitae Variant Classification Sherloc (09022015). Collection method: clinical testing. Allele origin: germline.
Comment: This sequence change creates a premature translational stop signal (p.Glu636*) in the TRPM1 gene. It is expected to result in an absent or disrupted protein product. Loss-of-function variants in TRPM1 are known to be pathogenic (PMID: 19896113, 19966281, 20300565). This variant is not present in population databases (gnomAD no frequency). This variant has not been reported in the literature in individuals affected with TRPM1-related conditions. Algorithms developed to predict the effect of sequence changes on RNA splicing suggest that this variant may create or strengthen a splice site. For these reasons, this variant has been classified as Pathogenic.

Literature cited by the submitters: PubMed 19896113; PubMed 19966281; PubMed 20300565.